The following is an entry in ClinVar:

NM_001844.5(COL2A1):c.1023+3G>A

Gene: COL2A1 (collagen type II alpha 1 chain; minus strand). Cytogenetic location: 12q13.11.
Variant type: single nucleotide variant.
Coding change: c.1023+3G>A on transcript NM_001844.5 (MANE Select); 3 bases into the intron after coding-DNA position 1023, G replaced by A.
Molecular consequence: intron variant.
Genome position (GRCh38, 1-based): chr12:47,992,875, C>T on the plus strand (G>A on the coding strand, the complement: COL2A1 is on the minus strand). VCF-style: chr12-47992875-C-T. GRCh37 (hg19) VCF-style: chr12-48386658-C-T.
Other names: c.816+3G>A (NM_033150.3).
Identifiers: ClinVar variation 508187 (VCV000508187.14), dbSNP rs374570848, ClinGen allele CA6535660.

ClinVar aggregate classification (germline): Conflicting classifications of pathogenicity. Review status: criteria provided, conflicting classifications (1 of 4 stars). 5 submissions from 4 submitters: Uncertain significance (2); Likely benign (3). Last evaluated 2025-12-12.

Conditions:
Stickler syndrome type 1 (STL1). Also called: STICKLER SYNDROME, MEMBRANOUS VITREOUS TYPE; STICKLER SYNDROME, VITREOUS TYPE 1; ARTHROOPHTHALMOPATHY, HEREDITARY PROGRESSIVE; COL2A1-Related Stickler Syndrome. Identifiers: Orphanet 828, Orphanet 90653, MedGen C2020284, MONDO:0007160, OMIM 108300.
Type 2 collagenopathy. Identifiers: Orphanet 93421, MedGen C2931073, MONDO:0022800.

Allele frequency attached by ClinVar (database versions not stated): ESP Exome Variant Server 0.00008; TOPMed 0.00012; gnomAD 0.00015 and 0.00016; gnomAD exomes 0.00001 and 0.00003; ExAC 0.00005; 1000 Genomes Project 30x 0.00031.
gnomAD v4.1: 32 of 1,614,192 alleles (0.002%); highest among the groups gnomAD compares: African/African-American, 0.039%; no homozygotes.

Submissions (5):

Labcorp Genetics (formerly Invitae), Labcorp
Classification: Uncertain significance. Last evaluated: 2025-12-12. Review status: criteria provided, single submitter. Criteria: Invitae Variant Classification Sherloc (09022015). Collection method: clinical testing. Allele origin: germline.
Comment: This sequence change falls in intron 16 of the COL2A1 gene. It does not directly change the encoded amino acid sequence of the COL2A1 protein. It affects a nucleotide within the consensus splice site. This variant is present in population databases (rs374570848, gnomAD 0.04%). This variant has not been reported in the literature in individuals affected with COL2A1-related conditions. ClinVar contains an entry for this variant (Variation ID: 508187). Variants that disrupt the consensus splice site are a relatively common cause of aberrant splicing (PMID: 17576681, 9536098). Algorithms developed to predict the effect of sequence changes on RNA splicing suggest that this variant is not likely to affect RNA splicing. In summary, the available evidence is currently insufficient to determine the role of this variant in disease. Therefore, it has been classified as a Variant of Uncertain Significance.

Blueprint Genetics
Classification: Likely benign. Last evaluated: 2023-06-05. Review status: criteria provided, single submitter. Criteria: ACMG Guidelines, 2015. Collection method: clinical testing. Allele origin: germline.

GeneDx
Classification: Likely benign. Last evaluated: 2021-06-16. Review status: criteria provided, single submitter. Criteria: GeneDx Variant Classification Process June 2021. Collection method: clinical testing. Allele origin: germline. Affected: yes.

Illumina Laboratory Services, Illumina
Classification: Likely benign for Stickler syndrome type 1. Last evaluated: 2017-04-28. Review status: criteria provided, single submitter. Criteria: ICSL Variant Classification Criteria 13 December 2019. Collection method: clinical testing. Allele origin: germline.
Comment: This variant was observed as part of a predisposition screen in an ostensibly healthy population. A literature search was performed for the gene, cDNA change, and amino acid change (where applicable). No publications were found based on this search. Allele frequency data from public databases allowed determination this variant is unlikely to cause disease. Therefore, this variant is classified as likely benign.

Illumina Laboratory Services, Illumina
Classification: Uncertain significance for Type II Collagenopathies. Last evaluated: 2017-04-28. Review status: criteria provided, single submitter. Criteria: ICSL Variant Classification Criteria 13 December 2019. Collection method: clinical testing. Allele origin: germline.

Literature cited by the submitters: PubMed 17576681 (cited by Labcorp Genetics (formerly Invitae), Labcorp); PubMed 9536098 (cited by Labcorp Genetics (formerly Invitae), Labcorp).